The following is an entry in ClinVar:

NM_000245.4(MET):c.2298C>A (p.Asn766Lys)

Gene: MET (MET proto-oncogene, receptor tyrosine kinase; plus strand). Cytogenetic location: 7q31.2.
Variant type: single nucleotide variant.
Coding change: c.2298C>A on transcript NM_000245.4 (MANE Select); coding-DNA position 2298, C replaced by A.
Protein change: p.Asn766Lys; replaces asparagine 766 with lysine.
Molecular consequence: missense variant.
Genome position (GRCh38, 1-based): chr7:116,759,424, C>A. VCF-style: chr7-116759424-C-A. GRCh37 (hg19) VCF-style: chr7-116399478-C-A.
Other names: c.2352C>A, p.Asn784Lys (NM_001127500.3); c.2298C>A, p.Asn766Lys (NM_001324401.3); c.1008C>A, p.Asn336Lys (NM_001324402.2); short protein forms N784K, N766K, N336K.
Identifiers: ClinVar variation 1790028 (VCV001790028.3), dbSNP rs2485726407, ClinGen allele CA368982134.

ClinVar aggregate classification (germline): Uncertain significance (1 of 4 stars; one submission).

Conditions:
Hereditary cancer-predisposing syndrome. Also called: Hereditary Cancer Syndrome; Hereditary neoplastic syndrome; Tumor predisposition; Neoplastic Syndromes, Hereditary. Identifiers: Orphanet 140162, MedGen C0027672, MeSH D009386, MONDO:0015356.

Submission:

Ambry Genetics
Classification: Uncertain significance for Hereditary cancer-predisposing syndrome. Last evaluated: 2024-06-17. Review status: criteria provided, single submitter. Criteria: Ambry Variant Classification Scheme 2023. Collection method: clinical testing. Allele origin: germline.
Comment: The p.N784K variant (also known as c.2352C>A), located in coding exon 9 of the MET gene, results from a C to A substitution at nucleotide position 2352. The asparagine at codon 784 is replaced by lysine, an amino acid with similar properties. This amino acid position is well conserved in available vertebrate species. In addition, the in silico prediction for this alteration is inconclusive. Based on the available evidence, the clinical significance of this variant remains unclear.